The following is an entry in ClinVar:

NM_002354.3(EPCAM):c.304A>G (p.Ser102Gly)

Gene: EPCAM (epithelial cell adhesion molecule; plus strand). Cytogenetic location: 2p21.
Variant type: single nucleotide variant.
Coding change: c.304A>G on transcript NM_002354.3 (MANE Select); coding-DNA position 304, A replaced by G.
Protein change: p.Ser102Gly; replaces serine 102 with glycine.
Molecular consequence: missense variant.
Genome position (GRCh38, 1-based): chr2:47,373,927, A>G. VCF-style: chr2-47373927-A-G. GRCh37 (hg19) VCF-style: chr2-47601066-A-G.
Other names: short protein forms S102G.
Identifiers: ClinVar variation 215813 (VCV000215813.13), dbSNP rs34474955, ClinGen allele CA338473.

ClinVar aggregate classification (germline): Conflicting classifications of pathogenicity. Review status: criteria provided, conflicting classifications (1 of 4 stars). 4 submissions from 4 submitters: Uncertain significance (1); Likely benign (3). Last evaluated 2023-07-07.

Conditions:
Hereditary cancer-predisposing syndrome. Also called: Hereditary neoplastic syndrome; Neoplastic Syndromes, Hereditary; Tumor predisposition; Hereditary Cancer Syndrome. Identifiers: Orphanet 140162, MedGen C0027672, MeSH D009386, MONDO:0015356.
Lynch syndrome 8 (LYNCH8). Also called: Colorectal cancer, hereditary nonpolyposis, type 8. Identifiers: Orphanet 144, MedGen C2750471, MONDO:0013196, OMIM 613244.

Allele frequency attached by ClinVar (database versions not stated): gnomAD exomes 0.00005 and 0.00013; ExAC 0.00015; 1000 Genomes Project 0.00040; gnomAD 0.00040 and 0.00041; TOPMed 0.00048; 1000 Genomes Project 30x 0.00062; ESP Exome Variant Server 0.00062.
gnomAD v4.1: 130 of 1,614,112 alleles (0.0081%); highest among the groups gnomAD compares: African/African-American, 0.16%; no homozygotes.

Submissions (4):

KCCC/NGS Laboratory, Kuwait Cancer Control Center
Classification: Likely benign for Lynch syndrome 8. Last evaluated: 2023-07-07. Review status: criteria provided, single submitter. Criteria: ACMG Guidelines, 2015. Collection method: clinical testing. Allele origin: germline. Affected: yes.

Ambry Genetics
Classification: Uncertain significance for Hereditary cancer-predisposing syndrome. Last evaluated: 2022-01-05. Review status: criteria provided, single submitter. Criteria: Ambry Variant Classification Scheme 2023. Collection method: clinical testing. Allele origin: germline.
Comment: The p.S102G variant (also known as c.304A>G), located in coding exon 3 of the EPCAM gene, results from an A to G substitution at nucleotide position 304. The serine at codon 102 is replaced by glycine, an amino acid with similar properties. This amino acid position is conserved. In addition, this alteration is predicted to be tolerated by in silico analysis. Since supporting evidence is limited at this time, the clinical significance of this alteration remains unclear.

Labcorp Genetics (formerly Invitae), Labcorp
Classification: Likely benign. Last evaluated: 2018-12-06. Review status: criteria provided, single submitter. Criteria: Invitae Variant Classification Sherloc (09022015). Collection method: clinical testing. Allele origin: germline.

Breakthrough Genomics
Classification: Likely benign. Review status: criteria provided, single submitter. Criteria: ACMG Guidelines, 2015. Collection method: not provided. Allele origin: germline. Inheritance: Autosomal recessive inheritance. Affected: yes.